The following is an entry in ClinVar:

NM_001352754.2(ARMC9):c.1255G>C (p.Glu419Gln)

Gene: ARMC9 (armadillo repeat containing 9; plus strand). Cytogenetic location: 2q37.1.
Variant type: single nucleotide variant.
Coding change: c.1255G>C on transcript NM_001352754.2 (MANE Select); coding-DNA position 1255, G replaced by C.
Protein change: p.Glu419Gln; replaces glutamic acid 419 with glutamine.
Molecular consequence: missense variant. On other transcripts: non-coding transcript variant (1).
Genome position (GRCh38, 1-based): chr2:231,272,999, G>C. VCF-style: chr2-231272999-G-C. GRCh37 (hg19) VCF-style: chr2-232137712-G-C.
Other names: c.1255G>C, p.Glu419Gln (NM_001271466.4, NM_001291656.2, NM_001352755.2 and 3 more transcripts); c.1156G>C, p.Glu386Gln (NM_001352757.2, NM_001352758.2); c.1255G>C (NM_025139.3); short protein forms E386Q, E419Q.
Identifiers: ClinVar variation 1056479 (VCV001056479.8), dbSNP rs2039469452, ClinGen allele CA350954063.

ClinVar aggregate classification (germline): Uncertain significance. Review status: criteria provided, multiple submitters, no conflicts (2 of 4 stars). 2 submissions from 2 submitters: Uncertain significance (2). Last evaluated 2025-02-07.

Conditions:
Inborn genetic diseases. Identifiers: MedGen C0950123, MeSH D030342.

Allele frequency attached by ClinVar (database versions not stated): gnomAD exomes below 0.00001; TOPMed below 0.00001.
gnomAD v4.1: 4 of 1,613,920 alleles (0.00025%); highest among the groups gnomAD compares: Non-Finnish European, 0.00025%; no homozygotes.

Submissions (2):

Ambry Genetics
Classification: Uncertain significance for Inborn genetic diseases. Last evaluated: 2025-02-07. Review status: criteria provided, single submitter. Criteria: Ambry Variant Classification Scheme 2023. Collection method: clinical testing. Allele origin: germline.

Labcorp Genetics (formerly Invitae), Labcorp
Classification: Uncertain significance. Last evaluated: 2020-02-10. Review status: criteria provided, single submitter. Criteria: Invitae Variant Classification Sherloc (09022015). Collection method: clinical testing. Allele origin: germline.
Comment: This variant is not present in population databases (ExAC no frequency). In summary, the available evidence is currently insufficient to determine the role of this variant in disease. Therefore, it has been classified as a Variant of Uncertain Significance. Experimental studies and prediction algorithms are not available or were not evaluated, and the functional significance of this variant is currently unknown. This variant has not been reported in the literature in individuals with ARMC9-related conditions. This sequence change replaces glutamic acid with glutamine at codon 419 of the ARMC9 protein (p.Glu419Gln). The glutamic acid residue is moderately conserved and there is a small physicochemical difference between glutamic acid and glutamine.